The following is an entry in ClinVar:

NM_000298.6(PKLR):c.1032C>G (p.Ile344Met)

Gene: PKLR (pyruvate kinase L/R; minus strand). Cytogenetic location: 1q22.
Variant type: single nucleotide variant.
Coding change: c.1032C>G on transcript NM_000298.6 (MANE Select); coding-DNA position 1032, C replaced by G.
Protein change: p.Ile344Met; replaces isoleucine 344 with methionine.
Molecular consequence: missense variant.
Genome position (GRCh38, 1-based): chr1:155,294,319, G>C on the plus strand (C>G on the coding strand, the complement: PKLR is on the minus strand). VCF-style: chr1-155294319-G-C. GRCh37 (hg19) VCF-style: chr1-155264110-G-C.
Other names: p.Ile344Met; c.939C>G, p.Ile313Met (NM_181871.4); short protein forms I344M, I313M.
Identifiers: ClinVar variation 4541531 (VCV004541531.1).

ClinVar aggregate classification (germline): Uncertain significance (1 of 4 stars; one submission).

Submission:

Mayo Clinic Laboratories, Mayo Clinic
Classification: Uncertain significance. Last evaluated: 2025-08-13. Review status: criteria provided, single submitter. Criteria: ACMG Guidelines, 2015. Collection method: clinical testing. Allele origin: germline. Observed: 1 variant allele.
Comment: PP3_moderate, PM2_supporting